The following is an entry in ClinVar:

ClinVar aggregate classification (germline): Uncertain significance (0 of 4 stars; one submission).

Conditions:
MKKS-related disorder. Also called: MKKS-related condition; MKKS-related disorders.

gnomAD v4.1: 3 of 1,613,958 alleles (0.00019%); highest among the groups gnomAD compares: East Asian, 0.0022%; no homozygotes.

Submission:

PreventionGenetics, part of Exact Sciences
Classification: Uncertain significance for MKKS-related condition. Last evaluated: 2023-11-03. Review status: no assertion criteria provided. Collection method: clinical testing. Allele origin: germline.
Comment: The MKKS c.460G>A variant is predicted to result in the amino acid substitution p.Val154Met. To our knowledge, this variant has not been reported in the literature or in a large population database, indicating this variant is rare. At this time, the clinical significance of this variant is uncertain due to the absence of conclusive functional and genetic evidence.

NM_170784.3(MKKS):c.460G>A (p.Val154Met)

Gene: MKKS (MKKS centrosomal shuttling protein; minus strand). Cytogenetic location: 20p12.2.
Variant type: single nucleotide variant.
Coding change: c.460G>A on transcript NM_170784.3 (MANE Select); coding-DNA position 460, G replaced by A.
Protein change: p.Val154Met; replaces valine 154 with methionine.
Molecular consequence: missense variant.
Genome position (GRCh38, 1-based): chr20:10,413,055, C>T on the plus strand (G>A on the coding strand, the complement: MKKS is on the minus strand). VCF-style: chr20-10413055-C-T. GRCh37 (hg19) VCF-style: chr20-10393703-C-T.
Other names: c.460G>A, p.Val154Met (NM_018848.3); short protein forms V154M.
Identifiers: ClinVar variation 3349640 (VCV003349640.1).